The following is an entry in ClinVar:

ClinVar aggregate classification (germline): Uncertain significance. Review status: criteria provided, multiple submitters, no conflicts (2 of 4 stars). 2 submissions from 2 submitters: Uncertain significance (2). Last evaluated 2026-01-13.

Conditions:
IMPG2-related disorder. Also called: IMPG2-related condition.

gnomAD v4.1: 11 of 1,613,962 alleles (0.00068%); highest among the groups gnomAD compares: Non-Finnish European, 0.00093%; no homozygotes.

Submissions (2):

PreventionGenetics, part of Exact Sciences
Classification: Uncertain significance for IMPG2-related condition. Last evaluated: 2026-01-13. Review status: criteria provided, single submitter. Criteria: ACMG Guidelines, 2015. Collection method: clinical testing. Allele origin: germline.
Comment: The IMPG2 c.2654A>G variant is predicted to result in the amino acid substitution p.Glu885Gly. To our knowledge, this variant has not been reported in the literature. This variant is absent in a large population database (gnomAD), indicating this variant is rare. At this time, the clinical significance of this variant is uncertain due to the absence of conclusive functional and genetic evidence.

Blueprint Genetics
Classification: Uncertain significance. Last evaluated: 2021-10-19. Review status: criteria provided, single submitter. Criteria: ACMG Guidelines, 2015. Collection method: clinical testing. Allele origin: germline.

NM_016247.4(IMPG2):c.2654A>G (p.Glu885Gly)

Gene: IMPG2 (interphotoreceptor matrix proteoglycan 2; minus strand). Cytogenetic location: 3q12.3.
Variant type: single nucleotide variant.
Coding change: c.2654A>G on transcript NM_016247.4 (MANE Select); coding-DNA position 2654, A replaced by G.
Protein change: p.Glu885Gly; replaces glutamic acid 885 with glycine.
Molecular consequence: missense variant.
Genome position (GRCh38, 1-based): chr3:101,243,677, T>C on the plus strand (A>G on the coding strand, the complement: IMPG2 is on the minus strand). VCF-style: chr3-101243677-T-C. GRCh37 (hg19) VCF-style: chr3-100962521-T-C.
Other names: c.2654A>G (NM_016247.3); short protein forms E885G.
Identifiers: ClinVar variation 4963506 (VCV004963506.2).
Genomic context (GRCh38, chr3:101,243,677, plus strand): 5'-AGGCTGAAGAAAACCACCAAAGCTCCTGAAGTCTGGGTATAACTCAAGTCATCTCCTCCT[T>C]CTGTGGGCCAAGCCACACTAACCATCTCTGTGGAGTGAACACTTGTTGACATTTCCACAT-3'
Protein context (NP_057331.2, residues 875-895): TEMVSVAWPT[Glu885Gly]GGDDLSYTQT